The following is an entry in ClinVar:

NM_000435.3(NOTCH3):c.10G>C (p.Gly4Arg)

Gene: NOTCH3 (notch receptor 3; minus strand). Cytogenetic location: 19p13.12.
Variant type: single nucleotide variant.
Coding change: c.10G>C on transcript NM_000435.3 (MANE Select); coding-DNA position 10, G replaced by C.
Protein change: p.Gly4Arg; replaces glycine 4 with arginine.
Molecular consequence: missense variant.
Genome position (GRCh38, 1-based): chr19:15,200,896, C>G on the plus strand (G>C on the coding strand, the complement: NOTCH3 is on the minus strand). VCF-style: chr19-15200896-C-G. GRCh37 (hg19) VCF-style: chr19-15311707-C-G.
Other names: short protein forms G4R.
Identifiers: ClinVar variation 4802106 (VCV004802106.1).
Genomic context (GRCh38, chr19:15,200,896, plus strand): 5'-CGGGTGGCGGTGGCGGTGGCGGCGACATCGGGCGACGGCGGCGGCGGCGGCCACGGGCCC[C>G]CGGCCCCATGGCGGCCGGCCGCGACCCTCCCCTCCTCCCTCCTTCCCTGGGCTCCGGGCG-3'
Protein context (NP_000426.2, residues 1-14): MGP[Gly4Arg]ARGRRRRRRP

ClinVar aggregate classification (germline): Uncertain significance (1 of 4 stars; one submission).

Submission:

Labcorp Genetics (formerly Invitae), Labcorp
Classification: Uncertain significance. Last evaluated: 2026-01-22. Review status: criteria provided, single submitter. Criteria: Invitae Variant Classification Sherloc (09022015). Collection method: clinical testing. Allele origin: germline.
Comment: This sequence change replaces glycine, which is neutral and non-polar, with arginine, which is basic and polar, at codon 4 of the NOTCH3 protein (p.Gly4Arg). The frequency data for this variant in the population databases is considered unreliable, as metrics indicate insufficient coverage at this position in the gnomAD database. This variant has not been reported in the literature in individuals affected with NOTCH3-related conditions. Invitae Evidence Modeling of protein sequence and biophysical properties (such as structural, functional, and spatial information, amino acid conservation, physicochemical variation, residue mobility, and thermodynamic stability) has been performed for this missense variant. However, the output from this modeling did not meet the statistical confidence thresholds required to predict the impact of this variant on NOTCH3 protein function. In summary, the available evidence is currently insufficient to determine the role of this variant in disease. Therefore, it has been classified as a Variant of Uncertain Significance.